The following is an entry in ClinVar:

NM_001099289.3(SH3RF3):c.1582G>C (p.Ala528Pro)

Genes: RANBP2 (RAN binding protein 2; plus strand), SH3RF3 (SH3 domain containing ring finger 3; plus strand). Cytogenetic location: 2q13.
Variant type: single nucleotide variant.
Coding change: c.1582G>C on transcript NM_001099289.3 (MANE Select); coding-DNA position 1582, G replaced by C.
Protein change: p.Ala528Pro; replaces alanine 528 with proline.
Molecular consequence: missense variant.
Genome position (GRCh38, 1-based): chr2:109,436,900, G>C. VCF-style: chr2-109436900-G-C. GRCh37 (hg19) VCF-style: chr2-110053356-G-C.
Other names: short protein forms A528P.
Identifiers: ClinVar variation 4164369 (VCV004164369.1).
Genomic context (GRCh38, chr2:109,436,900, plus strand): 5'-GCACGAATGCCTCTGAGCCTCTCATCAGAATTCCTTCTGCTTTCTCTCCACAGGGTGCCT[G>C]CAGGAGGGGCAGGGCCGCCCCGGAATAATGTAGTCGGAGGGTCTCCACTGGCCAAAGGGA-3'
Protein context (NP_001092759.1, residues 518-538): NYVTPVSRVP[Ala528Pro]GGAGPPRNNV

ClinVar aggregate classification (germline): Uncertain significance (1 of 4 stars; one submission).

gnomAD v4.1: 15 of 1,613,240 alleles (0.00093%); highest among the groups gnomAD compares: African/African-American, 0.015%; no homozygotes.

Submission:

Ambry Genetics
Classification: Uncertain significance. Last evaluated: 2025-08-02. Review status: criteria provided, single submitter. Criteria: Ambry Variant Classification Scheme 2023. Collection method: clinical testing. Allele origin: germline.
Comment: The c.1582G>C (p.A528P) alteration is located in exon (coding exon ) of the SH3RF3 gene. This alteration results from a G to C substitution at nucleotide position 1582, causing the alanine (A) at amino acid position 528 to be replaced by a proline (P). Based on insufficient or conflicting evidence, the clinical significance of this alteration remains unclear.